The following is an entry in ClinVar:

ClinVar aggregate classification (germline): Likely benign (0 of 4 stars; one submission).

Conditions:
ATP13A3-related disorder. Also called: ATP13A3-related condition.

Submission:

PreventionGenetics, part of Exact Sciences
Classification: Likely benign for ATP13A3-related condition. Last evaluated: 2019-11-07. Review status: no assertion criteria provided. Collection method: clinical testing. Allele origin: germline.
Comment: This variant is classified as likely benign based on ACMG/AMP sequence variant interpretation guidelines (Richards et al. 2015 PMID: 25741868, with internal and published modifications).

NM_001367549.1(ATP13A3):c.1711-6_1711-5dup

Gene: ATP13A3 (ATPase 13A3; minus strand). Cytogenetic location: 3q29.
Variant type: Duplication.
Coding change: c.1711-6_1711-5dup on transcript NM_001367549.1 (MANE Select); 6 bases into the intron before coding-DNA position 1711 through 5 bases into the intron before coding-DNA position 1711, 2 bases duplicated (TT; older notation c.1711-6_1711-5dupTT).
Molecular consequence: intron variant.
Genome position (GRCh38, 1-based): chr3:194,438,977-194,438,978, AA duplicated on the plus strand (TT on the coding strand, the reverse complement: ATP13A3 is on the minus strand); duplicating any 2 consecutive bases within chr3:194,438,977-194,438,986 gives the same sequence; the c. name uses the placement nearest the transcript's 3' end. VCF-style (leftmost placement, unchanged base first): chr3-194438976-G-GAA. GRCh37 (hg19) VCF-style: chr3-194159705-G-GAA.
Other names: c.1630-6_1630-5dup (NM_001374836.1); c.1711-6_1711-5dup (NM_024524.4).
Identifiers: ClinVar variation 3033088 (VCV003033088.2), dbSNP rs554326065, ClinGen allele CA2761899.